The following is an entry in ClinVar:

NM_020297.4(ABCC9):c.2309T>C (p.Ile770Thr)

Gene: ABCC9 (ATP binding cassette subfamily C member 9; minus strand). Cytogenetic location: 12p12.1.
Variant type: single nucleotide variant.
Coding change: c.2309T>C on transcript NM_020297.4 (MANE Select); coding-DNA position 2309, T replaced by C.
Protein change: p.Ile770Thr; replaces isoleucine 770 with threonine.
Molecular consequence: missense variant.
Genome position (GRCh38, 1-based): chr12:21,862,983, A>G on the plus strand (T>C on the coding strand, the complement: ABCC9 is on the minus strand). VCF-style: chr12-21862983-A-G. GRCh37 (hg19) VCF-style: chr12-22015917-A-G.
Other names: c.2309T>C, p.Ile770Thr (NM_001377273.1, NM_005691.4); c.1442T>C, p.Ile481Thr (NM_001377274.1); short protein forms I481T, I770T.
Identifiers: ClinVar variation 1421649 (VCV001421649.8), dbSNP rs1945595914, ClinGen allele CA384129796.
Genomic context (GRCh38, chr12:21,862,983, plus strand): 5'-TGGTTCTAAATTTTATATGCTCAAAATTACCTCTGTTTGTTAAAAGGACTTCCAAAAGTA[A>G]TATTTTCTTCTACTGTAGCATTTAATAGCCAAGGCTTTTGAGCTGCATATGCCACAGAGT-3'
Protein context (NP_064693.2, residues 760-780): WLLNATVEEN[Ile770Thr]TFGSPFNKQR

ClinVar aggregate classification (germline): Uncertain significance (1 of 4 stars; one submission).

Conditions:
Dilated cardiomyopathy 1O (CMD1O). Also called: CARDIOMYOPATHY, DILATED, WITH VENTRICULAR TACHYCARDIA. Identifiers: Orphanet 154, MedGen C1837839, MONDO:0012062, OMIM 608569.

Submission:

Labcorp Genetics (formerly Invitae), Labcorp
Classification: Uncertain significance for Dilated cardiomyopathy 1O. Last evaluated: 2023-12-11. Review status: criteria provided, single submitter. Criteria: Invitae Variant Classification Sherloc (09022015). Collection method: clinical testing. Allele origin: germline.
Comment: This sequence change replaces isoleucine, which is neutral and non-polar, with threonine, which is neutral and polar, at codon 770 of the ABCC9 protein (p.Ile770Thr). This variant is not present in population databases (gnomAD no frequency). This variant has not been reported in the literature in individuals affected with ABCC9-related conditions. ClinVar contains an entry for this variant (Variation ID: 1421649). Advanced modeling of protein sequence and biophysical properties (such as structural, functional, and spatial information, amino acid conservation, physicochemical variation, residue mobility, and thermodynamic stability) performed at Invitae indicates that this missense variant is expected to disrupt ABCC9 protein function with a positive predictive value of 80%. In summary, the available evidence is currently insufficient to determine the role of this variant in disease. Therefore, it has been classified as a Variant of Uncertain Significance.